The following is an entry in ClinVar:

NM_002230.4(JUP):c.1144G>C (p.Val382Leu)

Gene: JUP (junction plakoglobin; minus strand). Cytogenetic location: 17q21.2.
Variant type: single nucleotide variant.
Coding change: c.1144G>C on transcript NM_002230.4 (MANE Select); coding-DNA position 1144, G replaced by C.
Protein change: p.Val382Leu; replaces valine 382 with leucine.
Molecular consequence: missense variant.
Genome position (GRCh38, 1-based): chr17:41,764,727, C>G on the plus strand (G>C on the coding strand, the complement: JUP is on the minus strand). VCF-style: chr17-41764727-C-G. GRCh37 (hg19) VCF-style: chr17-39920979-C-G.
Other names: c.1144G>C, p.Val382Leu (NM_001352774.2, NM_001352775.2, NM_001352776.2 and 3 more transcripts); short protein forms V382L.
Identifiers: ClinVar variation 4089571 (VCV004089571.1).

ClinVar aggregate classification (germline): Uncertain significance (1 of 4 stars; one submission).

Conditions:
Cardiovascular phenotype. Identifiers: MedGen CN230736.

Submission:

Ambry Genetics
Classification: Uncertain significance for Cardiovascular phenotype. Last evaluated: 2025-08-28. Review status: criteria provided, single submitter. Criteria: Ambry Variant Classification Scheme 2023. Collection method: clinical testing. Allele origin: germline.
Comment: The p.V382L variant (also known as c.1144G>C), located in coding exon 6 of the JUP gene, results from a G to C substitution at nucleotide position 1144. The valine at codon 382 is replaced by leucine, an amino acid with highly similar properties. This amino acid position is conserved. In addition, this alteration is predicted to be tolerated by in silico analysis. Based on the available evidence, the clinical significance of this variant remains unclear.